The following is an entry in ClinVar:

ClinVar aggregate classification (germline): Benign (1 of 4 stars; one submission).

Conditions:
Nemaline myopathy 6 (NEM6). Also called: Nemaline myopathy 6, autosomal dominant. Identifiers: Orphanet 171439, MedGen C1836472, MONDO:0012237, OMIM 609273.

Allele frequency attached by ClinVar (database versions not stated): 1000 Genomes Project 0.01737; 1000 Genomes Project 30x 0.01827; TOPMed 0.03505.

Submission:

Illumina Laboratory Services, Illumina
Classification: Benign for Nemaline myopathy 6. Last evaluated: 2018-01-13. Review status: criteria provided, single submitter. Criteria: ICSL Variant Classification Criteria 13 December 2019. Collection method: clinical testing. Allele origin: germline.
Comment: This variant was observed in the ICSL laboratory as part of a predisposition screen in an ostensibly healthy population. It had not been previously curated by ICSL or reported in the Human Gene Mutation Database (HGMD: prior to June 1st, 2018), and was therefore a candidate for classification through an automated scoring system. Utilizing variant allele frequency, disease prevalence and penetrance estimates, and inheritance mode, an automated score was calculated to assess if this variant is too frequent to cause the disease. Based on the score and internal cut-off values, a variant classified as benign is not then subjected to further curation. The score for this variant resulted in a classification of benign for this disease.

NM_001101362.3(KBTBD13):c.*846G>T

Gene: KBTBD13 (kelch repeat and BTB domain containing 13; plus strand). Cytogenetic location: 15q22.31.
Variant type: single nucleotide variant.
Coding change: c.*846G>T on transcript NM_001101362.3 (MANE Select); 846 bases downstream of the stop codon, G replaced by T.
Molecular consequence: 3 prime UTR variant.
Genome position (GRCh38, 1-based): chr15:65,079,038, G>T. VCF-style: chr15-65079038-G-T. GRCh37 (hg19) VCF-style: chr15-65371376-G-T.
Identifiers: ClinVar variation 316763 (VCV000316763.5), dbSNP rs17804968, ClinGen allele CA10647265.